The following is an entry in ClinVar:

ClinVar aggregate classification (germline): Likely benign (1 of 4 stars; one submission).

Submission:

CeGaT Center for Human Genetics Tuebingen
Classification: Likely benign. Last evaluated: 2026-06-01. Review status: criteria provided, single submitter. Criteria: CeGaT Center For Human Genetics Tuebingen Variant Classification Criteria Version 2. Collection method: clinical testing. Allele origin: germline. Affected: yes. Observed: 1 variant allele.
Comment: TTN: BP4, BP7

NM_001267550.2(TTN):c.38334A>G (p.Lys12778=)

Gene: TTN (titin; minus strand). Cytogenetic location: 2q31.2.
Variant type: single nucleotide variant.
Coding change: c.38334A>G on transcript NM_001267550.2 (MANE Select); coding-DNA position 38334, A replaced by G.
Protein change: p.Lys12778=; no amino-acid change (lysine 12778 retained).
Molecular consequence: synonymous variant. On other transcripts: intron variant (5).
Genome position (GRCh38, 1-based): chr2:178,654,254, T>C on the plus strand (A>G on the coding strand, the complement: TTN is on the minus strand). VCF-style: chr2-178654254-T-C. GRCh37 (hg19) VCF-style: chr2-179518981-T-C.
Other names: c.13283-11937A>G (NM_003319.4); c.13859-11937A>G (NM_133437.4); c.13658-11937A>G (NM_133432.3); c.31742-1713A>G (NM_133378.4); c.34523-1713A>G (NM_001256850.1).
Identifiers: ClinVar variation 4875372 (VCV004875372.2).